The following is an entry in ClinVar:

NM_002471.4(MYH6):c.2964T>A (p.Asp988Glu)

Gene: MYH6 (myosin heavy chain 6; minus strand). Cytogenetic location: 14q11.2.
Variant type: single nucleotide variant.
Coding change: c.2964T>A on transcript NM_002471.4 (MANE Select); coding-DNA position 2964, T replaced by A.
Protein change: p.Asp988Glu; replaces aspartic acid 988 with glutamic acid.
Molecular consequence: missense variant.
Genome position (GRCh38, 1-based): chr14:23,393,483, A>T on the plus strand (T>A on the coding strand, the complement: MYH6 is on the minus strand). VCF-style: chr14-23393483-A-T. GRCh37 (hg19) VCF-style: chr14-23862692-A-T.
Other names: short protein forms D988E.
Identifiers: ClinVar variation 1949759 (VCV001949759.5), dbSNP rs1173628205, ClinGen allele CA389011271.

ClinVar aggregate classification (germline): Uncertain significance (1 of 4 stars; one submission).

Conditions:
Hypertrophic cardiomyopathy 14. Identifiers: MedGen C2750467, MONDO:0013197, OMIM 613251.

Submission:

Labcorp Genetics (formerly Invitae), Labcorp
Classification: Uncertain significance for Hypertrophic cardiomyopathy 14. Last evaluated: 2023-08-24. Review status: criteria provided, single submitter. Criteria: Invitae Variant Classification Sherloc (09022015). Collection method: clinical testing. Allele origin: germline.
Comment: In summary, the available evidence is currently insufficient to determine the role of this variant in disease. Therefore, it has been classified as a Variant of Uncertain Significance. Advanced modeling of protein sequence and biophysical properties (such as structural, functional, and spatial information, amino acid conservation, physicochemical variation, residue mobility, and thermodynamic stability) performed at Invitae indicates that this missense variant is not expected to disrupt MYH6 protein function. ClinVar contains an entry for this variant (Variation ID: 1949759). This variant has not been reported in the literature in individuals affected with MYH6-related conditions. This variant is not present in population databases (gnomAD no frequency). This sequence change replaces aspartic acid, which is acidic and polar, with glutamic acid, which is acidic and polar, at codon 988 of the MYH6 protein (p.Asp988Glu).